The following is an entry in ClinVar:

NM_018082.6(POLR3B):c.2273dup (p.Asn758fs)

Gene: POLR3B (RNA polymerase III subunit B; plus strand). Cytogenetic location: 12q23.3.
Variant type: Duplication.
Coding change: c.2273dup on transcript NM_018082.6 (MANE Select); coding-DNA position 2273, one base duplicated (A; older notation c.2273dupA).
Protein change: p.Asn758fs; shifts the reading frame from asparagine 758.
Molecular consequence: frameshift variant.
Genome position (GRCh38, 1-based): chr12:106,454,691, A duplicated; the last of 3 consecutive A bases (chr12:106,454,689-106,454,691); duplicating any one gives the same sequence. VCF-style (leftmost placement, unchanged base first): chr12-106454688-T-TA. GRCh37 (hg19) VCF-style: chr12-106848466-T-TA.
Other names: c.2099dup, p.Asn700fs (NM_001160708.2); short protein forms N758fs, N700fs.
Identifiers: ClinVar variation 5002913 (VCV005002913.1).

ClinVar aggregate classification (germline): Likely pathogenic (1 of 4 stars; one submission).

Conditions:
Leukodystrophy, hypomyelinating, 8, with or without oligodontia and/or hypogonadotropic hypogonadism. Also called: Hypomyelinating leukodystrophy 8 with or without oligodontia and-or hypogonadotropic hypogonadism; Endosteal sclerosis-cerebellar hypoplasia syndrome; LEUKODYSTROPHY, HYPOMYELINATING, 8, WITH HYPODONTIA AND HYPOGONADOTROPIC HYPOGONADISM. Identifiers: Orphanet 85186, Orphanet 88637, MedGen C3280644, MONDO:0013722, OMIM 614381.

Submission:

OLLIN Analises Genomicas, OLLIN
Classification: Likely pathogenic for Leukodystrophy, hypomyelinating, 8, with or without oligodontia and/or hypogonadotropic hypogonadism. Last evaluated: 2026-08-06. Review status: criteria provided, single submitter. Criteria: ACMG Guidelines 2015 PMID 25741868. Collection method: clinical testing. Allele origin: germline. Inheritance: Autosomal dominant inheritance.
Comment: This frameshift variant, located in exon 20 (of 28), is absent from gnomAD and ClinVar and has not been identified in the literature. This variant causes a frameshift and introduces a premature stop codon, which is predicted to result in either a truncated protein or degradation of the mRNA via nonsense-mediated decay (NMD). According to the currently available evidence, this variant has been classified as likely pathogenic (PVS1, PM2_P).